The following is an entry in ClinVar:

ClinVar aggregate classification (germline): Benign/Likely benign. Review status: criteria provided, multiple submitters, no conflicts (2 of 4 stars). 3 submissions from 3 submitters: Benign (1); Likely benign (2). Last evaluated 2026-03-02.

Allele frequency attached by ClinVar (database versions not stated): TOPMed 0.00002; gnomAD 0.00009; 1000 Genomes Project 0.00060; 1000 Genomes Project 30x 0.00062.
gnomAD v4.1: 240 of 1,614,050 alleles (0.015%); highest among the groups gnomAD compares: South Asian, 0.24%; 2 homozygotes.

Submissions (3):

Women's Health and Genetics/Laboratory Corporation of America, LabCorp
Classification: Likely benign. Last evaluated: 2026-03-02. Review status: criteria provided, single submitter. Criteria: LabCorp Variant Classification Summary - May 2015. Collection method: clinical testing. Allele origin: germline.

Labcorp Genetics (formerly Invitae), Labcorp
Classification: Benign. Last evaluated: 2025-12-13. Review status: criteria provided, single submitter. Criteria: Invitae Variant Classification Sherloc (09022015). Collection method: clinical testing. Allele origin: germline.

CeGaT Center for Human Genetics Tuebingen
Classification: Likely benign. Last evaluated: 2025-12-01. Review status: criteria provided, single submitter. Criteria: CeGaT Center For Human Genetics Tuebingen Variant Classification Criteria Version 2. Collection method: clinical testing. Allele origin: germline. Affected: yes. Observed: 1 variant allele.
Comment: COL4A1: BS1

NM_001845.6(COL4A1):c.144+11G>A

Gene: COL4A1 (collagen type IV alpha 1 chain; minus strand). Cytogenetic location: 13q34.
Variant type: single nucleotide variant.
Coding change: c.144+11G>A on transcript NM_001845.6 (MANE Select); 11 bases into the intron after coding-DNA position 144, G replaced by A.
Molecular consequence: intron variant.
Genome position (GRCh38, 1-based): chr13:110,242,664, C>T on the plus strand (G>A on the coding strand, the complement: COL4A1 is on the minus strand). VCF-style: chr13-110242664-C-T. GRCh37 (hg19) VCF-style: chr13-110895011-C-T.
Other names: c.144+11G>A (NM_001303110.2).
Identifiers: ClinVar variation 2051594 (VCV002051594.10), dbSNP rs568845737, ClinGen allele CA7048661.